The following is an entry in ClinVar:

NM_006231.4(POLE):c.2008C>A (p.Gln670Lys)

Gene: POLE (DNA polymerase epsilon, catalytic subunit; minus strand). Cytogenetic location: 12q24.33.
Variant type: single nucleotide variant.
Coding change: c.2008C>A on transcript NM_006231.4 (MANE Select); coding-DNA position 2008, C replaced by A.
Protein change: p.Gln670Lys; replaces glutamine 670 with lysine.
Molecular consequence: missense variant.
Genome position (GRCh38, 1-based): chr12:132,668,653, G>T on the plus strand (C>A on the coding strand, the complement: POLE is on the minus strand). VCF-style: chr12-132668653-G-T. GRCh37 (hg19) VCF-style: chr12-133245239-G-T.
Other names: short protein forms Q670K.
Identifiers: ClinVar variation 1368129 (VCV001368129.8), dbSNP rs2135977831, ClinGen allele CA387354726.

ClinVar aggregate classification (germline): Uncertain significance (1 of 4 stars; one submission).

Submission:

Labcorp Genetics (formerly Invitae), Labcorp
Classification: Uncertain significance. Last evaluated: 2021-07-17. Review status: criteria provided, single submitter. Criteria: Invitae Variant Classification Sherloc (09022015). Collection method: clinical testing. Allele origin: germline.
Comment: This sequence change replaces glutamine with lysine at codon 670 of the POLE protein (p.Gln670Lys). The glutamine residue is moderately conserved and there is a small physicochemical difference between glutamine and lysine. This variant is not present in population databases (ExAC no frequency). This variant has not been reported in the literature in individuals affected with POLE-related conditions. Algorithms developed to predict the effect of missense changes on protein structure and function (SIFT, PolyPhen-2, Align-GVGD) all suggest that this variant is likely to be tolerated. In summary, the available evidence is currently insufficient to determine the role of this variant in disease. Therefore, it has been classified as a Variant of Uncertain Significance.